The following is an entry in ClinVar:

ClinVar aggregate classification (germline): Likely pathogenic (1 of 4 stars; one submission).

Allele frequency attached by ClinVar (database versions not stated): gnomAD exomes below 0.00001.
gnomAD v4.1: 1 of 1,612,810 alleles (0.000062%); highest among the groups gnomAD compares: Non-Finnish European, 0.000085%; no homozygotes.

Submission:

Labcorp Genetics (formerly Invitae), Labcorp
Classification: Likely pathogenic. Last evaluated: 2022-09-04. Review status: criteria provided, single submitter. Criteria: Invitae Variant Classification Sherloc (09022015). Collection method: clinical testing. Allele origin: germline.
Comment: In summary, the currently available evidence indicates that the variant is pathogenic, but additional data are needed to prove that conclusively. Therefore, this variant has been classified as Likely Pathogenic. Algorithms developed to predict the effect of sequence changes on RNA splicing suggest that this variant may disrupt the consensus splice site. This variant has not been reported in the literature in individuals affected with ASNS-related conditions. This variant is not present in population databases (gnomAD no frequency). This sequence change affects a donor splice site in intron 7 of the ASNS gene. It is expected to disrupt RNA splicing. Variants that disrupt the donor or acceptor splice site typically lead to a loss of protein function (PMID: 16199547), and loss-of-function variants in ASNS are known to be pathogenic (PMID: 27422383, 30057589).

Literature cited by the submitters: PubMed 16199547; PubMed 27422383; PubMed 30057589.

NM_001673.5(ASNS):c.903+2T>G

Genes: ASNS (asparagine synthetase (glutamine-hydrolyzing); minus strand), CZ1P-ASNS (CZ1P-ASNS readthrough; minus strand). Cytogenetic location: 7q21.3.
Variant type: single nucleotide variant.
Coding change: c.903+2T>G on transcript NM_001673.5 (MANE Select); the canonical splice donor site of the intron after coding-DNA position 903, T replaced by G.
Molecular consequence: splice donor variant.
Genome position (GRCh38, 1-based): chr7:97,858,276, A>C on the plus strand (T>G on the coding strand, the complement: ASNS is on the minus strand). VCF-style: chr7-97858276-A-C. GRCh37 (hg19) VCF-style: chr7-97487588-A-C.
Other names: c.903+2T>G (NM_001352496.2, NM_183356.4, NM_133436.3); c.654+2T>G (NM_001178076.2, NM_001178077.1); c.840+2T>G (NM_001178075.2).
Identifiers: ClinVar variation 2028958 (VCV002028958.4), dbSNP rs1584463259, ClinGen allele CA368267538.